The following is an entry in ClinVar:

NM_005120.3(MED12):c.1249-1G>C

Gene: MED12 (mediator complex subunit 12; plus strand). Cytogenetic location: Xq13.1.
Variant type: single nucleotide variant.
Coding change: c.1249-1G>C on transcript NM_005120.3 (MANE Select); the canonical splice acceptor site of the intron before coding-DNA position 1249, G replaced by C.
Molecular consequence: splice acceptor variant.
Genome position (GRCh38, 1-based): chrX:71,122,507, G>C. VCF-style: chrX-71122507-G-C. GRCh37 (hg19) VCF-style: chrX-70342357-G-C.
Identifiers: ClinVar variation 1210232 (VCV001210232.3), dbSNP rs2147783158, ClinGen allele CA413505779.
Genomic context (GRCh38, chrX:71,122,507, plus strand): 5'-GGGGCTCTGGCCTTTTATATGCCTTGGTACATCCTTGTAGCCTTCCTTTTTAACATTGCA[G>C]GTCCGTGCAAAGTTGCGGGAGATCGAGCAGCAGATCAAGGAGCGGGGACAGGCAGTTGAA-3'

ClinVar aggregate classification (germline): Pathogenic. Review status: criteria provided, single submitter (1 of 4 stars). 2 submissions from 2 submitters: Pathogenic (1). 1 of the submissions does not count toward it. Last evaluated 2023-11-05.

Conditions:
FG syndrome 1 (OKS). Also called: OPITZ-KAVEGGIA SYNDROME; KELLER SYNDROME; MENTAL RETARDATION, LARGE HEAD, IMPERFORATE ANUS, CONGENITAL HYPOTONIA, AND PARTIAL AGENESIS OF CORPUS CALLOSUM; FG Syndrome Type 1 (FGS1). Identifiers: Orphanet 93932, MedGen C5399762, MONDO:0010590, OMIM 305450.

Submissions (2):

GeneDx
Classification: Pathogenic. Last evaluated: 2023-11-05. Review status: criteria provided, single submitter. Criteria: GeneDx Variant Classification Process June 2021. Collection method: clinical testing. Allele origin: germline. Affected: yes.
Comment: Canonical splice site variant predicted to result in a null allele in a gene for which loss of function is a known mechanism of disease; Not observed at significant frequency in large population cohorts (gnomAD); This variant is associated with the following publications: (PMID: 33244165, 32174975, 32505899)

GeneReviews
No classification provided. Condition: FG syndrome. Review status: no classification provided. Collection method: literature only. Allele origin: germline. Not counted in ClinVar's aggregate classification.
Comment: De novo variant in 3 females with nonspecific intellectual disability; leads to exon 9 skipping

Literature cited by the submitters: PubMed 32174975 (cited by GeneReviews); PubMed 33244165 (cited by GeneReviews); PubMed 20301719 (cited by GeneReviews).